The following is an entry in ClinVar:

NM_020937.4(FANCM):c.251T>G (p.Ile84Ser)

Gene: FANCM (FA complementation group M; plus strand). Cytogenetic location: 14q21.2.
Variant type: single nucleotide variant.
Coding change: c.251T>G on transcript NM_020937.4 (MANE Select); coding-DNA position 251, T replaced by G.
Protein change: p.Ile84Ser; replaces isoleucine 84 with serine.
Molecular consequence: missense variant.
Genome position (GRCh38, 1-based): chr14:45,136,282, T>G. VCF-style: chr14-45136282-T-G. GRCh37 (hg19) VCF-style: chr14-45605485-T-G.
Other names: c.251T>G, p.Ile84Ser (NM_001308133.2, NM_001308134.2); short protein forms I84S.
Identifiers: ClinVar variation 2052764 (VCV002052764.6), dbSNP rs1594750706, ClinGen allele CA389587583.

ClinVar aggregate classification (germline): Uncertain significance. Review status: criteria provided, multiple submitters, no conflicts (2 of 4 stars). 3 submissions from 3 submitters: Uncertain significance (3). Last evaluated 2025-11-17.

Conditions:
Inborn genetic diseases. Identifiers: MedGen C0950123, MeSH D030342.
Fanconi anemia (FA). Also called: Fanconi's anemia. Identifiers: Orphanet 84, MedGen C0015625, MeSH D005199, MONDO:0019391.

Submissions (3):

Ambry Genetics
Classification: Uncertain significance for Inborn genetic diseases. Last evaluated: 2025-11-17. Review status: criteria provided, single submitter. Criteria: Ambry Variant Classification Scheme 2023. Collection method: clinical testing. Allele origin: germline.
Comment: The p.I84S variant (also known as c.251T>G), located in coding exon 1 of the FANCM gene, results from a T to G substitution at nucleotide position 251. The isoleucine at codon 84 is replaced by serine, an amino acid with dissimilar properties. This amino acid position is conserved. In addition, the in silico prediction for this alteration is inconclusive. Based on the available evidence, the clinical significance of this variant remains unclear.

GeneDx
Classification: Uncertain significance. Last evaluated: 2024-01-11. Review status: criteria provided, single submitter. Criteria: GeneDx Variant Classification Process June 2021. Collection method: clinical testing. Allele origin: germline. Affected: yes.
Comment: Not observed at significant frequency in large population cohorts (gnomAD); In silico analysis supports that this missense variant has a deleterious effect on protein structure/function; Has not been previously published as pathogenic or benign to our knowledge

Labcorp Genetics (formerly Invitae), Labcorp
Classification: Uncertain significance for Fanconi anemia. Last evaluated: 2022-06-22. Review status: criteria provided, single submitter. Criteria: Invitae Variant Classification Sherloc (09022015). Collection method: clinical testing. Allele origin: germline.
Comment: In summary, the available evidence is currently insufficient to determine the role of this variant in disease. Therefore, it has been classified as a Variant of Uncertain Significance. Algorithms developed to predict the effect of missense changes on protein structure and function are either unavailable or do not agree on the potential impact of this missense change (SIFT: "Deleterious"; PolyPhen-2: "Possibly Damaging"; Align-GVGD: "Class C0"). This variant has not been reported in the literature in individuals affected with FANCM-related conditions. This variant is not present in population databases (gnomAD no frequency). This sequence change replaces isoleucine, which is neutral and non-polar, with serine, which is neutral and polar, at codon 84 of the FANCM protein (p.Ile84Ser).